The following is an entry in ClinVar:

ClinVar aggregate classification (germline): Uncertain significance (1 of 4 stars; one submission).

Conditions:
Zellweger spectrum disorders (ZS). Also called: Zellweger Spectrum Disorder (ZSD); Zellweger Spectrum Disorder; Zellweger Spectrum; Zellweger syndrome. Identifiers: Orphanet 912, MedGen C0043459, MONDO:0019609.

Allele frequency attached by ClinVar (database versions not stated): gnomAD exomes below 0.00001.
gnomAD v4.1: 2 of 1,606,838 alleles (0.00012%); highest among the groups gnomAD compares: Non-Finnish European, 0.00017%; no homozygotes.

Submission:

Labcorp Genetics (formerly Invitae), Labcorp
Classification: Uncertain significance for Zellweger spectrum disorders. Last evaluated: 2022-08-09. Review status: criteria provided, single submitter. Criteria: Invitae Variant Classification Sherloc (09022015). Collection method: clinical testing. Allele origin: germline.
Comment: In summary, the available evidence is currently insufficient to determine the role of this variant in disease. Therefore, it has been classified as a Variant of Uncertain Significance. Variants that disrupt the consensus splice site are a relatively common cause of aberrant splicing (PMID: 17576681, 9536098). Algorithms developed to predict the effect of sequence changes on RNA splicing suggest that this variant is not likely to affect RNA splicing. ClinVar contains an entry for this variant (Variation ID: 1520750). This variant has not been reported in the literature in individuals affected with PEX1-related conditions. This variant is not present in population databases (gnomAD no frequency). This sequence change falls in intron 4 of the PEX1 gene. It does not directly change the encoded amino acid sequence of the PEX1 protein. It affects a nucleotide within the consensus splice site.

Literature cited by the submitters: PubMed 17576681; PubMed 9536098.

NM_000466.3(PEX1):c.472+4G>A

Gene: PEX1 (peroxisomal biogenesis factor 1; minus strand). Cytogenetic location: 7q21.2.
Variant type: single nucleotide variant.
Coding change: c.472+4G>A on transcript NM_000466.3 (MANE Select); 4 bases into the intron after coding-DNA position 472, G replaced by A.
Molecular consequence: intron variant.
Genome position (GRCh38, 1-based): chr7:92,518,137, C>T on the plus strand (G>A on the coding strand, the complement: PEX1 is on the minus strand). VCF-style: chr7-92518137-C-T. GRCh37 (hg19) VCF-style: chr7-92147451-C-T.
Other names: c.472+4G>A (NM_001282677.2); c.-153+4G>A (NM_001282678.2).
Identifiers: ClinVar variation 1520750 (VCV001520750.6), dbSNP rs2116248481, ClinGen allele CA2573142559.